The following is an entry in ClinVar:

ClinVar aggregate classification (germline): Uncertain significance (1 of 4 stars; one submission).

Submission:

Women's Health and Genetics/Laboratory Corporation of America, LabCorp
Classification: Uncertain significance. Last evaluated: 2025-06-11. Review status: criteria provided, single submitter. Criteria: LabCorp Variant Classification Summary - May 2015. Collection method: clinical testing. Allele origin: germline.
Comment: Variant summary: PLA2G6 c.1451A>G (p.Asp484Gly) results in a non-conservative amino acid change in the encoded protein sequence. Algorithms developed to predict the effect of missense changes on protein structure and function all suggest that this variant is likely to be disruptive. The variant was absent in 169242 control chromosomes. c.1451A>G has been observed in a homozygous individual affected with Neurodegeneration With Brain Iron Accumulation (Koroglu_2012). These data indicate that the variant may be associated with disease. To our knowledge, no experimental evidence demonstrating an impact on protein function has been reported. The following publication have been ascertained in the context of this evaluation (PMID: 23749988). No submitters have cited clinical-significance assessments for this variant to ClinVar. Based on the evidence outlined above, the variant was classified as VUS-possibly pathogenic.

Literature cited by the submitters: PubMed 23749988.

NM_003560.4(PLA2G6):c.1451A>G (p.Asp484Gly)

Gene: PLA2G6 (phospholipase A2 group VI; minus strand). Cytogenetic location: 22q13.1.
Variant type: single nucleotide variant.
Coding change: c.1451A>G on transcript NM_003560.4 (MANE Select); coding-DNA position 1451, A replaced by G.
Protein change: p.Asp484Gly; replaces aspartic acid 484 with glycine.
Molecular consequence: missense variant.
Genome position (GRCh38, 1-based): chr22:38,123,235, T>C on the plus strand (A>G on the coding strand, the complement: PLA2G6 is on the minus strand). VCF-style: chr22-38123235-T-C. GRCh37 (hg19) VCF-style: chr22-38519242-T-C.
Other names: c.1289A>G, p.Asp430Gly (NM_001004426.3, NM_001199562.3, NM_001349865.2 and 1 more transcripts); c.1451A>G, p.Asp484Gly (NM_001349864.2); c.917A>G, p.Asp306Gly (NM_001349867.2); c.773A>G, p.Asp258Gly (NM_001349868.2); c.755A>G, p.Asp252Gly (NM_001349869.2); short protein forms D252G, D258G, D306G, D430G, D484G.
Identifiers: ClinVar variation 3907195 (VCV003907195.1).